The following is an entry in ClinVar:

NM_001014987.2(LAT):c.423G>A (p.Pro141=)

Gene: LAT (linker for activation of T cells; plus strand). Cytogenetic location: 16p11.2.
Variant type: single nucleotide variant.
Coding change: c.423G>A on transcript NM_001014987.2 (MANE Select); coding-DNA position 423, G replaced by A.
Protein change: p.Pro141=; no amino-acid change (proline 141 retained).
Molecular consequence: synonymous variant.
Genome position (GRCh38, 1-based): chr16:28,986,823, G>A. VCF-style: chr16-28986823-G-A. GRCh37 (hg19) VCF-style: chr16-28998144-G-A.
Other names: c.420G>A, p.Pro140= (NM_001014988.2); c.531G>A, p.Pro177= (NM_001014989.2); c.510G>A, p.Pro170= (NM_014387.4).
Identifiers: ClinVar variation 2079281 (VCV002079281.28), dbSNP rs370294498, ClinGen allele CA7990014.
Genomic context (GRCh38, chr16:28,986,823, plus strand): 5'-CCCCCTTGCTCACCGGCCCTTTTCACTTCCTTTCAGGGTGGTGCTTCCTGACAGCACCCC[G>A]GCCACTAGCACTGCTGCCCCATCAGCTCCTGCACTCAGCACCCCTGGCATCCGAGACAGT-3'
Protein context (NP_001014987.1, residues 131-151): GYLVVLPDST[Pro141=]ATSTAAPSAP

ClinVar aggregate classification (germline): Likely benign. Review status: criteria provided, multiple submitters, no conflicts (2 of 4 stars). 2 submissions from 2 submitters: Likely benign (2). Last evaluated 2025-11-21.

Allele frequency attached by ClinVar (database versions not stated): gnomAD exomes 0.00001; gnomAD 0.00002; TOPMed 0.00002; ExAC 0.00003; ESP Exome Variant Server 0.00008.

Submissions (2):

Labcorp Genetics (formerly Invitae), Labcorp
Classification: Likely benign. Last evaluated: 2025-11-21. Review status: criteria provided, single submitter. Criteria: Invitae Variant Classification Sherloc (09022015). Collection method: clinical testing. Allele origin: germline.

CeGaT Center for Human Genetics Tuebingen
Classification: Likely benign. Last evaluated: 2022-07-01. Review status: criteria provided, single submitter. Criteria: CeGaT Center For Human Genetics Tuebingen Variant Classification Criteria Version 2. Collection method: clinical testing. Allele origin: germline. Affected: yes. Observed: 1 variant allele.
Comment: LAT: BP4, BP7